The following is an entry in ClinVar:

ClinVar aggregate classification (germline): Likely benign (1 of 4 stars; one submission).

Submission:

CeGaT Center for Human Genetics Tuebingen
Classification: Likely benign. Last evaluated: 2023-02-01. Review status: criteria provided, single submitter. Criteria: CeGaT Center For Human Genetics Tuebingen Variant Classification Criteria Version 2. Collection method: clinical testing. Allele origin: germline. Affected: yes. Observed: 1 variant allele.
Comment: RAB23: PM2:Supporting, BP4, BP7

NM_016277.5(RAB23):c.174C>T (p.Val58=)

Gene: RAB23 (RAB23, member RAS oncogene family; minus strand). Cytogenetic location: 6p11.2.
Variant type: single nucleotide variant.
Coding change: c.174C>T on transcript NM_016277.5 (MANE Select); coding-DNA position 174, C replaced by T.
Protein change: p.Val58=; no amino-acid change (valine 58 retained).
Molecular consequence: synonymous variant.
Genome position (GRCh38, 1-based): chr6:57,207,695, G>A on the plus strand (C>T on the coding strand, the complement: RAB23 is on the minus strand). VCF-style: chr6-57207695-G-A. GRCh37 (hg19) VCF-style: chr6-57072493-G-A.
Other names: c.174C>T, p.Val58= (NM_001278666.2, NM_001278667.2, NM_001278668.2 and 1 more transcripts).
Identifiers: ClinVar variation 2656683 (VCV002656683.24), dbSNP rs2533216626, ClinGen allele CA450631355.